The following is an entry in ClinVar:

ClinVar aggregate classification (germline): Uncertain significance (1 of 4 stars; one submission).

Conditions:
Cardiovascular phenotype. Identifiers: MedGen CN230736.

Allele frequency attached by ClinVar (database versions not stated): gnomAD exomes below 0.00001; gnomAD 0.00001.

Submission:

Ambry Genetics
Classification: Uncertain significance for Cardiovascular phenotype. Last evaluated: 2023-06-03. Review status: criteria provided, single submitter. Criteria: Ambry Variant Classification Scheme 2023. Collection method: clinical testing. Allele origin: germline.
Comment: The p.I381V variant (also known as c.1141A>G), located in coding exon 1 of the DOLK gene, results from an A to G substitution at nucleotide position 1141. The isoleucine at codon 381 is replaced by valine, an amino acid with highly similar properties. This amino acid position is conserved. In addition, this alteration is predicted to be tolerated by in silico analysis. Since supporting evidence is limited at this time, the clinical significance of this alteration remains unclear.

NM_014908.4(DOLK):c.1141A>G (p.Ile381Val)

Gene: DOLK (dolichol kinase; minus strand). Cytogenetic location: 9q34.11.
Variant type: single nucleotide variant.
Coding change: c.1141A>G on transcript NM_014908.4 (MANE Select); coding-DNA position 1141, A replaced by G.
Protein change: p.Ile381Val; replaces isoleucine 381 with valine.
Molecular consequence: missense variant.
Genome position (GRCh38, 1-based): chr9:128,946,163, T>C on the plus strand (A>G on the coding strand, the complement: DOLK is on the minus strand). VCF-style: chr9-128946163-T-C. GRCh37 (hg19) VCF-style: chr9-131708442-T-C.
Other names: short protein forms I381V.
Identifiers: ClinVar variation 2563479 (VCV002563479.2), dbSNP rs1841661979, ClinGen allele CA375119738.